The following is an entry in ClinVar:

ClinVar aggregate classification (germline): Likely pathogenic (1 of 4 stars; one submission).

Conditions:
Combined immunodeficiency, X-linked (CIDX). Also called: IMMUNODEFICIENCY 6. Identifiers: MedGen C6022467, MONDO:0010730, OMIM 312863.
X-linked severe combined immunodeficiency (SCIDX1). Also called: X-Linked Combined Immunodeficiency Diseases; IMMUNODEFICIENCY 4; SCID, X-LINKED; SEVERE COMBINED IMMUNODEFICIENCY, X-LINKED, T CELL-NEGATIVE, B CELL-POSITIVE, NK CELL-NEGATIVE; T-B+ severe combined immunodeficiency due to gamma chain deficiency. Identifiers: Orphanet 276, MedGen C6022468, MONDO:0010315, OMIM 300400. Disease mechanism: loss of function.

Submission:

Center for Genomics, Ann and Robert H. Lurie Children's Hospital of Chicago
Classification: Likely pathogenic for Combined immunodeficiency, X-linked; X-linked severe combined immunodeficiency. Review status: criteria provided, single submitter. Criteria: ACMG Guidelines, 2015. Collection method: clinical testing. Allele origin: germline.
Comment: IL2RG NM_000206.2 exon 3 p.Tyr125Cys (c.374A>G): This variant has been reported in the literature in at least 1 individual with classic features of Omenn syndrome (Gruber 2009 PMID:18822103). This variant is not present in large control databases. Evolutionary conservation for this variant is unclear; computational predictive tools suggest that this variant may impact the protein. Of note, a similar variant (p.Tyr126Asn) has been reported in the literature in at least 1 individual with SCID (Puck 1997 PMID:9058718). For both instances of variants at this location in the literature, experimental studies suggested normal production (e.g. normal flow cytometry), but was hypothesized that functionality of the protein is abnormal. Internal functional studies based on flow cytometry provided evidence of a defect in the IL2RG signaling pathway. In summary, this variant is highly suspicious to be disease-causing, therefore, this variant is classified as likely pathogenic.

NM_000206.3(IL2RG):c.374A>G (p.Tyr125Cys)

Gene: IL2RG (interleukin 2 receptor subunit gamma; minus strand). Cytogenetic location: Xq13.1.
Variant type: single nucleotide variant.
Coding change: c.374A>G on transcript NM_000206.3 (MANE Select); coding-DNA position 374, A replaced by G.
Protein change: p.Tyr125Cys; replaces tyrosine 125 with cysteine.
Molecular consequence: missense variant.
Genome position (GRCh38, 1-based): chrX:71,110,584, T>C on the plus strand (A>G on the coding strand, the complement: IL2RG is on the minus strand). VCF-style: chrX-71110584-T-C. GRCh37 (hg19) VCF-style: chrX-70330434-T-C.
Other names: short protein forms Y125C.
Identifiers: ClinVar variation 992514 (VCV000992514.3), dbSNP rs2092261313, ClinGen allele CA413496701.